The following is an entry in ClinVar:

ClinVar aggregate classification (germline): Benign/Likely benign. Review status: criteria provided, multiple submitters, no conflicts (2 of 4 stars). 3 submissions from 3 submitters: Benign (1); Likely benign (2). Last evaluated 2025-02-04.

Conditions:
Ataxia-telangiectasia syndrome (AT). Also called: Ataxia telangiectasia (A-T); LOUIS-BAR SYNDROME; Cerebello-oculocutaneous telangiectasia; Immunodeficiency with ataxia telangiectasia; Ataxia-telangiectasia, complementation group D; AT, COMPLEMENTATION GROUP C. Identifiers: Orphanet 100, MedGen C0004135, MONDO:0008840, OMIM 208900.
Hereditary cancer-predisposing syndrome. Also called: Hereditary neoplastic syndrome; Neoplastic Syndromes, Hereditary; Tumor predisposition; Hereditary Cancer Syndrome. Identifiers: Orphanet 140162, MedGen C0027672, MeSH D009386, MONDO:0015356.
Familial cancer of breast. Also called: Hereditary breast cancer; hereditary breast carcinoma; BREAST CANCER, FAMILIAL. Identifiers: Orphanet 227535, MedGen C0346153, MONDO:0016419, OMIM 114480. Disease mechanism: loss of function.

Submissions (3):

Labcorp Genetics (formerly Invitae), Labcorp
Classification: Likely benign for Ataxia-telangiectasia syndrome. Last evaluated: 2025-02-04. Review status: criteria provided, single submitter. Criteria: Invitae Variant Classification Sherloc (09022015). Collection method: clinical testing. Allele origin: germline.

Myriad Genetics, Inc.
Classification: Benign for Familial cancer of breast. Last evaluated: 2024-06-06. Review status: criteria provided, single submitter. Criteria: Myriad Autosomal Dominant, Autosomal Recessive and X-Linked Classification Criteria (2023). Collection method: clinical testing. Allele origin: unknown.
Comment: This variant is considered benign. This variant is a silent/synonymous amino acid change and it is not expected to impact splicing.

Ambry Genetics
Classification: Likely benign for Hereditary cancer-predisposing syndrome. Last evaluated: 2015-11-17. Review status: criteria provided, single submitter. Criteria: Ambry Variant Classification Scheme 2023. Collection method: clinical testing. Allele origin: germline.

NM_000051.4(ATM):c.6507C>T (p.Leu2169=)

Genes: ATM (ATM serine/threonine kinase; plus strand), C11orf65 (chromosome 11 open reading frame 65; minus strand). Cytogenetic location: 11q22.3.
Variant type: single nucleotide variant.
Coding change: c.6507C>T on transcript NM_000051.4 (MANE Select); coding-DNA position 6507, C replaced by T.
Protein change: p.Leu2169=; no amino-acid change (leucine 2169 retained).
Molecular consequence: synonymous variant. On other transcripts: intron variant (2).
Genome position (GRCh38, 1-based): chr11:108,321,355, C>T. VCF-style: chr11-108321355-C-T. GRCh37 (hg19) VCF-style: chr11-108192082-C-T.
Other names: c.6507C>T, p.Leu2169= (NM_001351834.2); c.641-12284G>A (NM_001330368.2); c.*39-12284G>A (NM_001351110.2).
Identifiers: ClinVar variation 1753940 (VCV001753940.6), dbSNP rs863224295, ClinGen allele CA476676186.
Genomic context (GRCh38, chr11:108,321,355, plus strand): 5'-TACTAGAGTAAAAGAAGTGGAAGAGATGTGTAAGCGCAGCCTTGAGTCTGTGTATTCGCT[C>T]TATCCCACACTTAGCAGGTTGCAGGCCATTGGAGAGCTGGAAAGCATTGGGGAGCTTTTC-3'
Protein context (NP_000042.3, residues 2159-2179): CKRSLESVYS[Leu2169=]YPTLSRLQAI